The following is an entry in ClinVar:

NR_003051.4(RMRP):n.230C>A

Gene: RMRP (RNA component of mitochondrial RNA processing endoribonuclease; minus strand). Cytogenetic location: 9p13.3.
Variant type: single nucleotide variant.
Genome position: GRCh38 VCF-style: chr9-35657790-G-T. GRCh37 (hg19) VCF-style: chr9-35657787-G-T.
Identifiers: ClinVar variation 936626 (VCV000936626.2), dbSNP rs1169686514, ClinGen allele CA464450398.

ClinVar aggregate classification (germline): Uncertain significance. Review status: criteria provided, single submitter (1 of 4 stars). 2 submissions from 2 submitters: Uncertain significance (1). 1 of the submissions does not count toward it. Last evaluated 2019-08-22.

Conditions:
Metaphyseal chondrodysplasia, McKusick type (CHH). Also called: Cartilage-Hair Hypoplasia (CHH); Cartilage-hair hypoplasia. Identifiers: Orphanet 175, MedGen C0220748, MONDO:0009595, OMIM 250250.
Anauxetic dysplasia. Identifiers: Orphanet 93347, MedGen C1846796, MONDO:0011773.

gnomAD v4.1: 3 of 697,894 alleles (0.00043%); highest among the groups gnomAD compares: Non-Finnish European, 0.00078%; no homozygotes.

Submissions (2):

Labcorp Genetics (formerly Invitae), Labcorp
Classification: Uncertain significance for Anauxetic dysplasia. Last evaluated: 2019-08-22. Review status: criteria provided, single submitter. Criteria: Invitae Variant Classification Sherloc (09022015). Collection method: clinical testing. Allele origin: germline.
Comment: This variant occurs in the RMRP gene, which encodes an RNA molecule that does not result in a protein product. The frequency data for this variant in the population databases is considered unreliable, as metrics indicate insufficient coverage at this position in the ExAC database. This variant has not been reported in the literature in individuals with RMRP-related conditions. Experimental studies and prediction algorithms are not available for this variant, and the functional significance of this non-coding change is currently unknown. In summary, the available evidence is currently insufficient to determine the role of this variant in disease. Therefore, it has been classified as a Variant of Uncertain Significance.

Natera, Inc.
Classification: Uncertain significance for Cartilage-hair hypoplasia. Last evaluated: 2020-02-26. Review status: no assertion criteria provided. Collection method: clinical testing. Allele origin: germline. Not counted in ClinVar's aggregate classification.